The following is an entry in ClinVar:

NM_001371928.1(AHDC1):c.1095G>A (p.Leu365=)

Gene: AHDC1 (AT-hook DNA binding motif containing 1; minus strand). Cytogenetic location: 1p36.11.
Variant type: single nucleotide variant.
Coding change: c.1095G>A on transcript NM_001371928.1 (MANE Select); coding-DNA position 1095, G replaced by A.
Protein change: p.Leu365=; no amino-acid change (leucine 365 retained).
Molecular consequence: synonymous variant.
Genome position (GRCh38, 1-based): chr1:27,551,021, C>T on the plus strand (G>A on the coding strand, the complement: AHDC1 is on the minus strand). VCF-style: chr1-27551021-C-T. GRCh37 (hg19) VCF-style: chr1-27877532-C-T.
Other names: c.1095G>A, p.Leu365= (NM_001029882.3).
Identifiers: ClinVar variation 3028976 (VCV003028976.4), dbSNP rs372554739, ClinGen allele CA716023.

ClinVar aggregate classification (germline): Benign. Review status: criteria provided, single submitter (1 of 4 stars). 2 submissions from 2 submitters: Benign (1). 1 of the submissions does not count toward it. Last evaluated 2024-04-02.

Conditions:
AHDC1-related disorder. Also called: AHDC1-related condition.

Allele frequency attached by ClinVar (database versions not stated): gnomAD 0.00004; TOPMed 0.00004; ESP Exome Variant Server 0.00008; ExAC 0.00025.
gnomAD v4.1: 31 of 1,563,050 alleles (0.002%); highest among the groups gnomAD compares: East Asian, 0.068%; no homozygotes.

Submissions (2):

Labcorp Genetics (formerly Invitae), Labcorp
Classification: Benign. Last evaluated: 2024-04-02. Review status: criteria provided, single submitter. Criteria: Invitae Variant Classification Sherloc (09022015). Collection method: clinical testing. Allele origin: germline.

PreventionGenetics, part of Exact Sciences
Classification: Likely benign for AHDC1-related condition. Last evaluated: 2021-06-23. Review status: no assertion criteria provided. Collection method: clinical testing. Allele origin: germline. Not counted in ClinVar's aggregate classification.
Comment: This variant is classified as likely benign based on ACMG/AMP sequence variant interpretation guidelines (Richards et al. 2015 PMID: 25741868, with internal and published modifications).